The following is an entry in ClinVar:

NM_000540.3(RYR1):c.806G>A (p.Ser269Asn)

Gene: RYR1 (ryanodine receptor 1; plus strand). Cytogenetic location: 19q13.2.
Variant type: single nucleotide variant.
Coding change: c.806G>A on transcript NM_000540.3 (MANE Select); coding-DNA position 806, G replaced by A.
Protein change: p.Ser269Asn; replaces serine 269 with asparagine.
Molecular consequence: missense variant.
Genome position (GRCh38, 1-based): chr19:38,448,360, G>A. VCF-style: chr19-38448360-G-A. GRCh37 (hg19) VCF-style: chr19-38939000-G-A.
Other names: c.806G>A, p.Ser269Asn (NM_001042723.2); short protein forms S269N.
Identifiers: ClinVar variation 1042016 (VCV001042016.10), dbSNP rs1256381592, ClinGen allele CA405680910.

ClinVar aggregate classification (germline): Uncertain significance (1 of 4 stars; one submission).

Conditions:
RYR1-related disorder. Also called: RYR1-related condition; RYR1-related disorders. Identifiers: MedGen CN239331.

Allele frequency attached by ClinVar (database versions not stated): gnomAD exomes below 0.00001; TOPMed below 0.00001.
gnomAD v4.1: 2 of 1,608,768 alleles (0.00012%); highest among the groups gnomAD compares: Non-Finnish European, 0.00017%; no homozygotes.

Submission:

Labcorp Genetics (formerly Invitae), Labcorp
Classification: Uncertain significance for RYR1-related disorder. Last evaluated: 2022-02-02. Review status: criteria provided, single submitter. Criteria: Invitae Variant Classification Sherloc (09022015). Collection method: clinical testing. Allele origin: germline.
Comment: In summary, the available evidence is currently insufficient to determine the role of this variant in disease. Therefore, it has been classified as a Variant of Uncertain Significance. Advanced modeling of protein sequence and biophysical properties (such as structural, functional, and spatial information, amino acid conservation, physicochemical variation, residue mobility, and thermodynamic stability) performed at Invitae indicates that this missense variant is not expected to disrupt RYR1 protein function. ClinVar contains an entry for this variant (Variation ID: 1042016). This variant has not been reported in the literature in individuals affected with RYR1-related conditions. This variant is not present in population databases (gnomAD no frequency). This sequence change replaces serine, which is neutral and polar, with asparagine, which is neutral and polar, at codon 269 of the RYR1 protein (p.Ser269Asn).